The following is an entry in ClinVar:

NM_017534.6(MYH2):c.545G>A (p.Gly182Asp)

Genes: MYH2 (myosin heavy chain 2; minus strand), MYHAS (myosin heavy chain gene cluster antisense RNA; plus strand), LOC126862501 (CDK7 strongly-dependent group 2 enhancer GRCh37_chr17:10446256-10447455; plus strand). Cytogenetic location: 17p13.1.
Variant type: single nucleotide variant.
Coding change: c.545G>A on transcript NM_017534.6 (MANE Select); coding-DNA position 545, G replaced by A.
Protein change: p.Gly182Asp; replaces glycine 182 with aspartic acid.
Molecular consequence: missense variant.
Genome position (GRCh38, 1-based): chr17:10,544,005, C>T on the plus strand (G>A on the coding strand, the complement: MYH2 is on the minus strand). VCF-style: chr17-10544005-C-T. GRCh37 (hg19) VCF-style: chr17-10447322-C-T.
Other names: c.545G>A, p.Gly182Asp (NM_001100112.2); short protein forms G182D.
Identifiers: ClinVar variation 1932421 (VCV001932421.5), dbSNP rs1406051947, ClinGen allele CA398170077.

ClinVar aggregate classification (germline): Uncertain significance (1 of 4 stars; one submission).

Conditions:
Myopathy, proximal, and ophthalmoplegia (CMYO6). Also called: INCLUSION BODY MYOPATHY 3, AUTOSOMAL DOMINANT; CONGENITAL MYOPATHY 6 WITH OPHTHALMOPLEGIA; MYOPATHY WITH CONGENITAL JOINT CONTRACTURES, OPHTHALMOPLEGIA, AND RIMMED VACUOLES. Identifiers: Orphanet 363677, Orphanet 79091, MedGen C1854106, MONDO:0011577, OMIM 605637.

Allele frequency attached by ClinVar (database versions not stated): gnomAD exomes below 0.00001.
gnomAD v4.1: 4 of 1,614,208 alleles (0.00025%); highest among the groups gnomAD compares: Non-Finnish European, 0.00034%; no homozygotes.

Submission:

Labcorp Genetics (formerly Invitae), Labcorp
Classification: Uncertain significance for Myopathy, proximal, and ophthalmoplegia. Last evaluated: 2022-03-11. Review status: criteria provided, single submitter. Criteria: Invitae Variant Classification Sherloc (09022015). Collection method: clinical testing. Allele origin: germline.
Comment: In summary, the available evidence is currently insufficient to determine the role of this variant in disease. Therefore, it has been classified as a Variant of Uncertain Significance. Algorithms developed to predict the effect of missense changes on protein structure and function (SIFT, PolyPhen-2, Align-GVGD) all suggest that this variant is likely to be disruptive. This variant has not been reported in the literature in individuals affected with MYH2-related conditions. This variant is present in population databases (no rsID available, gnomAD 0.0009%). This sequence change replaces glycine, which is neutral and non-polar, with aspartic acid, which is acidic and polar, at codon 182 of the MYH2 protein (p.Gly182Asp).